The following is an entry in ClinVar:

NM_000419.5(ITGA2B):c.1873G>A (p.Glu625Lys)

Gene: ITGA2B (integrin subunit alpha 2b; minus strand). Cytogenetic location: 17q21.31.
Variant type: single nucleotide variant.
Coding change: c.1873G>A on transcript NM_000419.5 (MANE Select); coding-DNA position 1873, G replaced by A.
Protein change: p.Glu625Lys; replaces glutamic acid 625 with lysine.
Molecular consequence: missense variant.
Genome position (GRCh38, 1-based): chr17:44,379,694, C>T on the plus strand (G>A on the coding strand, the complement: ITGA2B is on the minus strand). VCF-style: chr17-44379694-C-T. GRCh37 (hg19) VCF-style: chr17-42457062-C-T.
Other names: short protein forms E625K.
Identifiers: ClinVar variation 4695335 (VCV004695335.1).

ClinVar aggregate classification (germline): Uncertain significance (1 of 4 stars; one submission).

Conditions:
Glanzmann thrombasthenia. Also called: BLEEDING DISORDER, PLATELET-TYPE, 2; THROMBASTHENIA OF GLANZMANN AND NAEGELI; Glanzmann's thrombasthenia; PLATELET GLYCOPROTEIN IIb-IIIa DEFICIENCY; Thrombasthenia. Identifiers: Orphanet 849, MedGen C0040015, MONDO:0100326.

gnomAD v4.1: 8 of 1,613,974 alleles (0.0005%); highest among the groups gnomAD compares: South Asian, 0.0011%; no homozygotes.

Submission:

Labcorp Genetics (formerly Invitae), Labcorp
Classification: Uncertain significance for Glanzmann thrombasthenia. Last evaluated: 2025-03-07. Review status: criteria provided, single submitter. Criteria: Invitae Variant Classification Sherloc (09022015). Collection method: clinical testing. Allele origin: germline.
Comment: This sequence change replaces glutamic acid, which is acidic and polar, with lysine, which is basic and polar, at codon 625 of the ITGA2B protein (p.Glu625Lys). This variant is not present in population databases (gnomAD no frequency). This variant has not been reported in the literature in individuals affected with ITGA2B-related conditions. An algorithm developed to predict the effect of missense changes on protein structure and function outputs the following: PolyPhen-2: "Benign". The lysine amino acid residue is found in multiple mammalian species, which suggests that this missense change does not adversely affect protein function. In summary, the available evidence is currently insufficient to determine the role of this variant in disease. Therefore, it has been classified as a Variant of Uncertain Significance.